The following is an entry in ClinVar:

ClinVar aggregate classification (germline): Uncertain significance. Review status: criteria provided, multiple submitters, no conflicts (2 of 4 stars). 7 submissions from 7 submitters: Uncertain significance (7). Last evaluated 2025-10-26.

Conditions:
Pheochromocytoma/paraganglioma syndrome 3. Also called: SDHC-Related Hereditary Paraganglioma-Pheochromocytoma Syndrome (Paragangliomas 3); SDHC-Related Hereditary Paraganglioma-Pheochromocytoma Syndrome; GLOMUS TUMORS, FAMILIAL, 3; Paragangliomas 3. Identifiers: Orphanet 29072, MedGen C1854336, MONDO:0011544, OMIM 605373.
Gastrointestinal stromal tumor. Also called: Gastrointestinal stromal tumor, somatic; Gastrointestinal stroma tumor. Identifiers: Orphanet 44890, MedGen C0238198, MeSH D046152, MONDO:0011719, OMIM 606764, HP:0100723.
Hereditary pheochromocytoma and paraganglioma. Also called: Hereditary paragangliomas and pheochromocytomas; Hereditary pheochromocytoma-paraganglioma; Hereditary Paraganglioma-Pheochromocytoma Syndromes. Identifiers: Orphanet 29072, MedGen C4274332, MONDO:0017366.
Hereditary cancer-predisposing syndrome. Also called: Neoplastic Syndromes, Hereditary; Tumor predisposition; Hereditary Cancer Syndrome; Hereditary neoplastic syndrome. Identifiers: Orphanet 140162, MedGen C0027672, MeSH D009386, MONDO:0015356.

Allele frequency attached by ClinVar (database versions not stated): gnomAD exomes below 0.00001.
gnomAD v4.1: 4 of 1,612,494 alleles (0.00025%); highest among the groups gnomAD compares: Non-Finnish European, 0.00034%; no homozygotes.

Submissions (7):

Labcorp Genetics (formerly Invitae), Labcorp
Classification: Uncertain significance for Pheochromocytoma/paraganglioma syndrome 3; Gastrointestinal stromal tumor. Last evaluated: 2025-10-26. Review status: criteria provided, single submitter. Criteria: Invitae Variant Classification Sherloc (09022015). Collection method: clinical testing. Allele origin: germline.
Comment: This sequence change replaces leucine, which is neutral and non-polar, with methionine, which is neutral and non-polar, at codon 5 of the SDHC protein (p.Leu5Met). This variant is not present in population databases (gnomAD no frequency). This variant has not been reported in the literature in individuals affected with SDHC-related conditions. ClinVar contains an entry for this variant (Variation ID: 663454). An algorithm developed to predict the effect of missense changes on protein structure and function (PolyPhen-2) suggests that this variant is likely to be disruptive. In summary, the available evidence is currently insufficient to determine the role of this variant in disease. Therefore, it has been classified as a Variant of Uncertain Significance.

Ambry Genetics
Classification: Uncertain significance for Hereditary cancer-predisposing syndrome. Last evaluated: 2025-02-08. Review status: criteria provided, single submitter. Criteria: Ambry Variant Classification Scheme 2023. Collection method: clinical testing. Allele origin: germline.
Comment: The p.L5M variant (also known as c.13T>A), located in coding exon 1 of the SDHC gene, results from a T to A substitution at nucleotide position 13. The leucine at codon 5 is replaced by methionine, an amino acid with highly similar properties. This amino acid position is well conserved in available vertebrate species. In addition, the in silico prediction for this alteration is inconclusive. Since supporting evidence is limited at this time, the clinical significance of this alteration remains unclear.

Quest Diagnostics Nichols Institute San Juan Capistrano
Classification: Uncertain significance. Last evaluated: 2024-05-31. Review status: criteria provided, single submitter. Criteria: Quest Diagnostics criteria. Collection method: clinical testing. Allele origin: unknown.
Comment: The SDHC c.13T>A (p.Leu5Met) variant has not been reported in individuals with SDHC-related conditions in the published literature. It also has not been reported in large, multi-ethnic general populations (Genome Aggregation Database). Analysis of this variant using bioinformatics tools for the prediction of the effect of amino acid changes on protein structure and function yielded conflicting predictions that this variant is benign or damaging. Based on the available information, we are unable to determine the clinical significance of this variant.

All of Us Research Program, National Institutes of Health
Classification: Uncertain significance for Hereditary pheochromocytoma and paraganglioma. Last evaluated: 2024-02-22. Review status: criteria provided, single submitter. Criteria: ACMG Guidelines, 2015. Collection method: clinical testing. Allele origin: germline. Inheritance: Autosomal dominant inheritance. Observed: 1 variant allele, 1 heterozygote.
Comment: This missense variant replaces leucine with methionine at codon 5 of the SDHC protein. Computational prediction is inconclusive regarding the impact of this variant on protein structure and function (internally defined REVEL score threshold 0.5 < inconclusive < 0.7, PMID: 27666373). To our knowledge, functional studies have not been reported for this variant. This variant has not been reported in individuals affected with SDHC-related disorders in the literature. This variant has not been identified in the general population by the Genome Aggregation Database (gnomAD). The available evidence is insufficient to determine the role of this variant in disease conclusively. Therefore, this variant is classified as a Variant of Uncertain Significance.

This study involves interpretation of variants in research participants for the purpose of population health screening. Participant phenotype was not available at the time of variant classification. Additional details can be found in publication PMID: 35346344, PMCID: PMC8962531

GeneDx
Classification: Uncertain significance. Last evaluated: 2024-02-11. Review status: criteria provided, single submitter. Criteria: GeneDx Variant Classification Process June 2021. Collection method: clinical testing. Allele origin: germline. Affected: yes.
Comment: Not observed at significant frequency in large population cohorts (gnomAD); In silico analysis supports that this missense variant does not alter protein structure/function; Has not been previously published as pathogenic or benign to our knowledge

Color Diagnostics, LLC DBA Color Health
Classification: Uncertain significance for Hereditary pheochromocytoma and paraganglioma. Last evaluated: 2024-01-25. Review status: criteria provided, single submitter. Criteria: ACMG Guidelines, 2015. Collection method: clinical testing. Allele origin: germline.
Comment: This missense variant replaces leucine with methionine at codon 5 of the SDHC protein. Computational prediction is inconclusive regarding the impact of this variant on protein structure and function. To our knowledge, functional studies have not been reported for this variant. This variant has not been reported in individuals affected with SDHC-related disorders in the literature. This variant has not been identified in the general population by the Genome Aggregation Database (gnomAD). The available evidence is insufficient to determine the role of this variant in disease conclusively. Therefore, this variant is classified as a Variant of Uncertain Significance.

Baylor Genetics
Classification: Uncertain significance for Gastrointestinal stromal tumor. Last evaluated: 2023-09-13. Review status: criteria provided, single submitter. Criteria: ACMG Guidelines, 2015. Collection method: clinical testing. Allele origin: unknown.

NM_003001.5(SDHC):c.13T>A (p.Leu5Met)

Gene: SDHC (succinate dehydrogenase complex subunit C; plus strand). Cytogenetic location: 1q23.3.
Variant type: single nucleotide variant.
Coding change: c.13T>A on transcript NM_003001.5 (MANE Select); coding-DNA position 13, T replaced by A.
Protein change: p.Leu5Met; replaces leucine 5 with methionine.
Molecular consequence: missense variant.
Genome position (GRCh38, 1-based): chr1:161,314,418, T>A. VCF-style: chr1-161314418-T-A. GRCh37 (hg19) VCF-style: chr1-161284208-T-A.
Other names: c.13T>A, p.Leu5Met (NM_001035511.3, NM_001035512.3, NM_001035513.3 and 6 more transcripts); c.-548T>A (NM_001407119.1); c.-217T>A (NM_001407120.1); short protein forms L5M.
Identifiers: ClinVar variation 663454 (VCV000663454.19), dbSNP rs894925936, ClinGen allele CA31675345.